The following is an entry in ClinVar:

ClinVar aggregate classification (germline): Uncertain significance (1 of 4 stars; one submission).

Conditions:
Fibrous dysplasia of jaw (CRBM). Also called: Cherubism. Identifiers: Orphanet 184, MedGen C0008029, MONDO:0007315, OMIM 118400.

Submission:

Labcorp Genetics (formerly Invitae), Labcorp
Classification: Uncertain significance for Fibrous dysplasia of jaw. Last evaluated: 2024-02-26. Review status: criteria provided, single submitter. Criteria: Invitae Variant Classification Sherloc (09022015). Collection method: clinical testing. Allele origin: germline.
Comment: This sequence change replaces phenylalanine, which is neutral and non-polar, with leucine, which is neutral and non-polar, at codon 61 of the SH3BP2 protein (p.Phe61Leu). This variant is not present in population databases (gnomAD no frequency). This variant has not been reported in the literature in individuals affected with SH3BP2-related conditions. Advanced modeling of protein sequence and biophysical properties (such as structural, functional, and spatial information, amino acid conservation, physicochemical variation, residue mobility, and thermodynamic stability) performed at Invitae indicates that this missense variant is not expected to disrupt SH3BP2 protein function with a negative predictive value of 95%. In summary, the available evidence is currently insufficient to determine the role of this variant in disease. Therefore, it has been classified as a Variant of Uncertain Significance.

NM_001122681.2(SH3BP2):c.181T>C (p.Phe61Leu)

Gene: SH3BP2 (SH3 domain binding protein 2; plus strand). Cytogenetic location: 4p16.3.
Variant type: single nucleotide variant.
Coding change: c.181T>C on transcript NM_001122681.2 (MANE Select); coding-DNA position 181, T replaced by C.
Protein change: p.Phe61Leu; replaces phenylalanine 61 with leucine.
Molecular consequence: missense variant.
Genome position (GRCh38, 1-based): chr4:2,822,979, T>C. VCF-style: chr4-2822979-T-C. GRCh37 (hg19) VCF-style: chr4-2824706-T-C.
Other names: c.265T>C, p.Phe89Leu (NM_001145855.2); c.352T>C, p.Phe118Leu (NM_001145856.2); c.181T>C, p.Phe61Leu (NM_003023.4); short protein forms F61L, F118L, F89L.
Identifiers: ClinVar variation 3643383 (VCV003643383.2).